The following continues an entry in ClinVar:

NM_000268.4(NF2):c.1540A>G (p.Met514Val)

Gene: NF2. ClinVar aggregate classification (germline): Conflicting classifications of pathogenicity. Uncertain significance (12); Benign (2); Likely benign (2).

Submissions 13 to 17 of 17:

ARUP Laboratories, Molecular Genetics and Genomics, ARUP Laboratories
Classification: Uncertain significance. Last evaluated: 2021-04-13. Review status: criteria provided, single submitter. Criteria: ARUP Molecular Germline Variant Investigation Process 2021. Collection method: clinical testing. Allele origin: germline.
Comment: The NF2 c.1540A>G; p.Met514Val variant (rs201527155) is reported in the literature in an individual with bilateral vestibular schwannoma, but was not determined to be causative (Ahronowitz 2007). The variant is reported in the ClinVar database (Variation ID: 201125) and is reported in the general population with an overall allele frequency of 0.0099% (28/282,872 alleles) in the Genome Aggregation Database. The methionine at codon 514 is highly conserved but computational analyses are uncertain whether this variant is neutral or deleterious (REVEL: 0.656). Due to limited information, the clinical significance of the p.Met514Val variant is uncertain at this time. Gene Statement: References: Ahronowitz I et al. Mutational spectrum of the NF2 gene: a meta-analysis of 12 years of research and diagnostic laboratory findings. Hum Mutat. 2007 Jan;28(1):1-12. PMID: 16983642.

Mendelics
Classification: Uncertain significance for Neurofibromatosis, type 2. Last evaluated: 2018-07-02. Review status: criteria provided, single submitter. Criteria: Mendelics Assertion Criteria 2017. Collection method: clinical testing. Allele origin: unknown.

Illumina Laboratory Services, Illumina
Classification: Benign for Neurofibromatosis, type 2. Last evaluated: 2018-01-13. Review status: criteria provided, single submitter. Criteria: ICSL Variant Classification Criteria 13 December 2019. Collection method: clinical testing. Allele origin: germline.
Comment: This variant was observed in the ICSL laboratory as part of a predisposition screen in an ostensibly healthy population. It had not been previously curated by ICSL or reported in the Human Gene Mutation Database (HGMD: prior to June 1st, 2018), and was therefore a candidate for classification through an automated scoring system. Utilizing variant allele frequency, disease prevalence and penetrance estimates, and inheritance mode, an automated score was calculated to assess if this variant is too frequent to cause the disease. Based on the score and internal cut-off values, a variant classified as benign is not then subjected to further curation. The score for this variant resulted in a classification of benign for this disease.

Genomic Diagnostic Laboratory, Division of Genomic Diagnostics, Children's Hospital of Philadelphia
Classification: Uncertain significance for Neurofibromatosis, type 2. Last evaluated: 2015-06-19. Review status: criteria provided, single submitter. Criteria: DGD Variant Analysis Guidelines. Collection method: clinical testing. Allele origin: unknown.

PreventionGenetics, part of Exact Sciences
Classification: Uncertain significance for NF2-related condition. Last evaluated: 2024-01-22. Review status: no assertion criteria provided. Collection method: clinical testing. Allele origin: germline. Not counted in ClinVar's aggregate classification.
Comment: The NF2 c.1540A>G variant is predicted to result in the amino acid substitution p.Met514Val. This variant was reported in an individual with bilateral vestibular schwannomas; however, pathogenicity was not established (Ahronowitz et al 2007. PubMed ID: 16983642). This variant was also reported as a variant of uncertain significance in a large study of Brazilian breast cancer patients (Supp Table 3 in Guindalini RSC et al 2022. PubMed ID: 35264596). This variant is reported in 0.016% of alleles in individuals of European (Finnish) descent in gnomAD, which is likely too common for an autosomal dominant disorder. This variant is reported in ClinVar with conflicting interpretations of uncertain and benign. Although we suspect that this variant may be benign, at this time, the clinical significance of this variant is uncertain due to the absence of conclusive functional and genetic evidence.

Literature cited by the submitters: PubMed 26045165 (cited by 3 submitters); PubMed 33058421 (cited by All of Us Research Program, National Institutes of Health and Color Diagnostics, LLC DBA Color Health); PubMed 16983642 (cited by Ambry Genetics and Sema4); PubMed 26332594 (cited by Ambry Genetics); PubMed 29409008 (cited by Ambry Genetics); PubMed 29316957 (cited by Sema4).